The following is an entry in ClinVar:

NM_170601.5(SIAE):c.966+4C>T

Gene: SIAE (sialic acid acetylesterase; minus strand). Cytogenetic location: 11q24.2.
Variant type: single nucleotide variant.
Coding change: c.966+4C>T on transcript NM_170601.5 (MANE Select); 4 bases into the intron after coding-DNA position 966, C replaced by T.
Molecular consequence: intron variant.
Genome position (GRCh38, 1-based): chr11:124,647,361, G>A on the plus strand (C>T on the coding strand, the complement: SIAE is on the minus strand). VCF-style: chr11-124647361-G-A. GRCh37 (hg19) VCF-style: chr11-124517257-G-A.
Other names: c.861+4C>T (NM_001199922.2).
Identifiers: ClinVar variation 2189411 (VCV002189411.4), dbSNP rs747856625, ClinGen allele CA230390168.
Genomic context (GRCh38, chr11:124,647,361, plus strand): 5'-CCTCTTCCTCTCAACACAGGAACAGGTGTTGACATGAACAGAGAAGCCTTTACCCACATC[G>A]TACCTGGACAAGTCCAAATGGGAAGAAACGCTCCGTCTGCCCCTGGGAACCACGGTGGAA-3'

ClinVar aggregate classification (germline): Uncertain significance (1 of 4 stars; one submission).

Allele frequency attached by ClinVar (database versions not stated): gnomAD 0.00001; TOPMed 0.00003.
gnomAD v4.1: 13 of 1,614,014 alleles (0.00081%); highest among the groups gnomAD compares: African/African-American, 0.0027%; no homozygotes.

Submission:

Labcorp Genetics (formerly Invitae), Labcorp
Classification: Uncertain significance. Last evaluated: 2026-01-15. Review status: criteria provided, single submitter. Criteria: Invitae Variant Classification Sherloc (09022015). Collection method: clinical testing. Allele origin: germline.
Comment: This sequence change falls in intron 7 of the SIAE gene. It does not directly change the encoded amino acid sequence of the SIAE protein. It affects a nucleotide within the consensus splice site. This variant is present in population databases (no rsID available, gnomAD 0.007%). This variant has not been reported in the literature in individuals affected with SIAE-related conditions. ClinVar contains an entry for this variant (Variation ID: 2189411). Variants that disrupt the consensus splice site are a relatively common cause of aberrant splicing (PMID: 17576681, 9536098). Algorithms developed to predict the effect of sequence changes on RNA splicing suggest that this variant is not likely to affect RNA splicing. In summary, the available evidence is currently insufficient to determine the role of this variant in disease. Therefore, it has been classified as a Variant of Uncertain Significance.

Literature cited by the submitters: PubMed 17576681; PubMed 9536098.